The following is an entry in ClinVar:

NM_000256.3(MYBPC3):c.3181C>T (p.Gln1061Ter)

Gene: MYBPC3 (myosin binding protein C3; minus strand). Cytogenetic location: 11p11.2.
Variant type: single nucleotide variant.
Coding change: c.3181C>T on transcript NM_000256.3 (MANE Select); coding-DNA position 3181, C replaced by T.
Protein change: p.Gln1061Ter; replaces glutamine 1061 with a stop codon.
Molecular consequence: nonsense.
Genome position (GRCh38, 1-based): chr11:47,333,566, G>A on the plus strand (C>T on the coding strand, the complement: MYBPC3 is on the minus strand). VCF-style: chr11-47333566-G-A. GRCh37 (hg19) VCF-style: chr11-47355117-G-A.
Other names: p.Q1061*:CAG>TAG; short protein forms Q1061*.
Identifiers: ClinVar variation 42690 (VCV000042690.30), dbSNP rs397516005, ClinGen allele CA013596.
Genomic context (GRCh38, chr11:47,333,566, plus strand): 5'-CCAGCCCAGGGAAGGGAAACAAGGGGGCTCAAGGAGGCCTTGGCCACGCACCAACAACCT[G>A]CAGCACCAGCGTGGCCTTGTCCTCCATGTTCTCAATGCGCACCGTCACCTGGTAAGTGCC-3'

ClinVar aggregate classification (germline): Pathogenic. Review status: criteria provided, multiple submitters, no conflicts (2 of 4 stars). 11 submissions from 11 submitters: Pathogenic (9). 2 of the submissions do not count toward it. Last evaluated 2025-03-03.

Conditions:
MYBPC3-related disorder. Also called: MYBPC3-related disorders; MYBPC3-related condition; MYBPC3-related disease.
Cardiovascular phenotype. Identifiers: MedGen CN230736.
Cardiomyopathy (CMYO). Also called: Cardiomyopathies. Identifiers: Orphanet 167848, MedGen C0878544, MONDO:0004994, HP:0001638. Inheritance: Various modes of inheritance.
Hypertrophic cardiomyopathy 4. Also called: Familial hypertrophic cardiomyopathy 4. Identifiers: MedGen C1861862, MONDO:0007268, OMIM 115197.
Hypertrophic cardiomyopathy. Also called: HYPERTROPHIC MYOCARDIOPATHY. Identifiers: Orphanet 217569, MedGen C0007194, MeSH D002312, MONDO:0005045, HP:0001639.

Allele frequency attached by ClinVar (database versions not stated): gnomAD exomes 0.00001; ExAC 0.00002; gnomAD 0.00003.
gnomAD v4.1: 13 of 1,600,156 alleles (0.00081%); no homozygotes.

Submissions (11):

Labcorp Genetics (formerly Invitae), Labcorp
Classification: Pathogenic for Hypertrophic cardiomyopathy. Last evaluated: 2025-03-03. Review status: criteria provided, single submitter. Criteria: Invitae Variant Classification Sherloc (09022015). Collection method: clinical testing. Allele origin: germline.
Comment: This sequence change creates a premature translational stop signal (p.Gln1061*) in the MYBPC3 gene. It is expected to result in an absent or disrupted protein product. Loss-of-function variants in MYBPC3 are known to be pathogenic (PMID: 19574547). This variant is present in population databases (rs397516005, gnomAD 0.02%). This premature translational stop signal has been observed in individual(s) with hypertrophic cardiomyopathy (PMID: 12110947, 26267065, 27532257). It is commonly reported in individuals of Finnish ancestry (PMID: 22462493). ClinVar contains an entry for this variant (Variation ID: 42690). Algorithms developed to predict the effect of sequence changes on RNA splicing suggest that this variant may disrupt the consensus splice site. For these reasons, this variant has been classified as Pathogenic.

Blueprint Genetics
Classification: Pathogenic for MYBPC3-related disorders. Last evaluated: 2024-11-21. Review status: criteria provided, single submitter. Criteria: ACMG Guidelines, 2015. Collection method: clinical testing. Allele origin: germline. Affected: yes. Observed: 5 variant alleles.

Ambry Genetics
Classification: Pathogenic for Cardiovascular phenotype. Last evaluated: 2023-09-08. Review status: criteria provided, single submitter. Criteria: Ambry Variant Classification Scheme 2023. Collection method: clinical testing. Allele origin: germline.
Comment: The p.Q1061* pathogenic mutation (also known as c.3181C>T), located in coding exon 29 of the MYBPC3 gene, results from a C to T substitution at nucleotide position 3181. This changes the amino acid from a glutamine to a stop codon within coding exon 29. This is the most prevalent mutation reported to cause hypertrophic cardiomyopathy in the Finnish population and has shown a founder effect (J&auml;&auml;skel&auml;inen P et al. J Mol Med (Berl). 2002;80(7):412-22; J&auml;&auml;skel&auml;inen P et al. Ann Med. 2013;45(1):85-90). In addition to the clinical data presented in the literature, this alteration is expected to result in loss of function by premature protein truncation or nonsense-mediated mRNA decay. As such, this alteration is interpreted as a disease-causing mutation.

Clinical Genetics Laboratory, Skane University Hospital Lund
Classification: Pathogenic. Last evaluated: 2022-05-27. Review status: criteria provided, single submitter. Criteria: ACMG Guidelines, 2015. Collection method: clinical testing. Allele origin: germline. Affected: yes.

Color Diagnostics, LLC DBA Color Health
Classification: Pathogenic for Cardiomyopathy. Last evaluated: 2019-11-25. Review status: criteria provided, single submitter. Criteria: ACMG Guidelines, 2015. Collection method: clinical testing. Allele origin: germline.
Comment: This variant changes 1 nucleotide in exon 29 of the MYBPC3 gene, creating a premature translation stop signal. This variant is expected to result in an absent or non-functional protein product. This variant has been reported to segregate with hypertrophic cardiomyopathy in several Finnish families (PMID: 12110947) and is thought to be a founder mutation in the Finnish population (PMID: 22462493, 30775854). This variant has also been reported in several unrelated individuals from other ethnic populations affected with hypertrophic cardiomyopathy (PMID: 19666645, 27532257, 18803133). A study has shown this variant changes the morphology, calcium handling, and electrophysiological properties in cardiomyocytes derived from an individual affected with hypertrophic cardiomyopathy (PMID: 27057166). This variant has been identified in 4/270760 chromosomes in the general population by the Genome Aggregation Database (gnomAD). Loss of MYBPC3 function is a known mechanism of disease. Based on the available evidence, this variant is classified as Pathogenic.

CHEO Genetics Diagnostic Laboratory, Children's Hospital of Eastern Ontario
Classification: Pathogenic for Cardiomyopathy. Last evaluated: 2018-05-10. Review status: criteria provided, single submitter. Criteria: ACMG Guidelines, 2015. Collection method: clinical testing. Allele origin: germline.

Clinical Genetics DNA and cytogenetics Diagnostics Lab, Erasmus MC, Erasmus Medical Center
Classification: Pathogenic for Hypertrophic cardiomyopathy 4. Last evaluated: 2015-09-21. Review status: criteria provided, single submitter. Criteria: ACGS Guidelines, 2013. Collection method: clinical testing. Allele origin: germline. Affected: yes. Study: VKGL Data-share Consensus.

GeneDx
Classification: Pathogenic. Last evaluated: 2013-03-18. Review status: criteria provided, single submitter. Criteria: GeneDx Variant Classification (06012015). Collection method: clinical testing. Allele origin: germline. Affected: yes.
Comment: This mutation is dentoed p.Gln1061Stop (CAG>TAG): c.3181 C>T in exon 29 of the MYBPC3 gene (NM_000256.3). The Gln1061Stop mutation in the MYBPC3 gene has been reported in association with HCM (Jaaskelainen P et al., 2002). Jaaskelainen et al. identified Gln1061Stop in 6 unrelated families with HCM from Finland, and it was not observed in 200 control chromosomes. This study reported this mutation co-segregated with HCM in multiple families and suggested Gln1061Stop may be a founder mutation in the Finnish population. Gln1061Stop is predicted to cause loss of normal protein function either by protein truncation or nonsense-mediated mRNA decay. Other nonsense mutations in the MYBPC3 gene have been reported in association with HCM. In summary, Gln1061Stop in the MYBPC3 gene is interpreted as a disease-causing mutation. The variant is found in HCM panel(s).

Laboratory for Molecular Medicine, Mass General Brigham Personalized Medicine
Classification: Pathogenic for Hypertrophic cardiomyopathy. Last evaluated: 2012-07-12. Review status: criteria provided, single submitter. Criteria: LMM Criteria. Collection method: clinical testing. Allele origin: germline. Observed: 2 variant alleles.
Comment: The Gln1061X variant in MYBPC3 has been reported in the literature in six HCM pr obands, segregated in 12 affected or clinically suspicious relatives across five families and was absent from 328 healthy control chromosomes (Jaaskelaine 2002, Poutanen 2006). The families were all of Finnish ancestry, and haplotype analys is suggests that this variant could be a founder mutation in this population (Ja askelaine 2002). In addition, this variant has not been identified in large and broad populations by the NHLBI Exome Sequencing Project (n.edu/EVS). Gln1061X is a nonsense variant leading to a premature termination co don at position 1061, which is predicted to lead to a truncated or absent protei n. Heterozygous loss of function of the MYBPC3 gene is an established disease me chanism in HCM patients. In summary, this variant meets our criteria to be class ified as pathogenic based upon segregation studi es, absence from controls, and established disease mechanism.

Clinical Genetics, Academic Medical Center
Classification: Pathogenic. Review status: no assertion criteria provided. Collection method: clinical testing. Allele origin: germline. Affected: yes. Study: VKGL Data-share Consensus. Not counted in ClinVar's aggregate classification.

Zaffran Lab, Genetics of Cardiac Diseases Laboratory, Marseille Medical Genetics
Classification: Likely pathogenic for hypertrophic cardiomyopathy. Review status: no assertion criteria provided. Collection method: research. Allele origin: unknown. Affected: yes. Not counted in ClinVar's aggregate classification.

Literature cited by the submitters: PubMed 19574547 (cited by Labcorp Genetics (formerly Invitae), Labcorp); PubMed 12110947 (cited by Labcorp Genetics (formerly Invitae), Labcorp and Ambry Genetics); PubMed 26267065 (cited by Labcorp Genetics (formerly Invitae), Labcorp); PubMed 27532257 (cited by Labcorp Genetics (formerly Invitae), Labcorp); PubMed 22462493 (cited by Labcorp Genetics (formerly Invitae), Labcorp and Ambry Genetics).